The following is an entry in ClinVar:

ClinVar aggregate classification (germline): Benign (1 of 4 stars; one submission).

Conditions:
MELAS syndrome (MELAS). Also called: Juvenile myopathy, encephalopathy, lactic acidosis, stroke. Identifiers: Orphanet 550, MedGen C0162671, MONDO:0010789, OMIM 540000.

Submission:

Wong Mito Lab, Molecular and Human Genetics, Baylor College of Medicine
Classification: Benign for MELAS syndrome. Last evaluated: 2019-07-12. Review status: criteria provided, single submitter. Criteria: Modified ACMG Guidelines (Unpublished). Collection method: clinical testing. Allele origin: germline.
Comment: The NC_012920.1:m.7570A>G variant in MT-TD gene is interpreted to be a Benign variant based on the modified ACMG guidelines (unpublished). This variant meets the following evidence codes reported in the guidelines: BS1, BS2, BP4

Literature cited by the submitters: PubMed 31965079.

NC_012920.1(MT-TD):m.7570A>G

Gene: MT-TD (mitochondrially encoded tRNA aspartic acid; plus strand).
Variant type: single nucleotide variant.
Genome position: chrM-7570-A-G.
Identifiers: ClinVar variation 690055 (VCV000690055.1), dbSNP rs1556423311, ClinGen allele CA913177445.